The following is an entry in ClinVar:

ClinVar aggregate classification (germline): Likely benign (0 of 4 stars; one submission).

Conditions:
KLB-related disorder. Also called: KLB-related condition.

Allele frequency attached by ClinVar (database versions not stated): gnomAD exomes 0.00004; ExAC 0.00017; TOPMed 0.00063; ESP Exome Variant Server 0.00069; gnomAD 0.00076; 1000 Genomes Project 0.00080; 1000 Genomes Project 30x 0.00109.
gnomAD v4.1: 182 of 1,614,186 alleles (0.011%); highest among the groups gnomAD compares: African/African-American, 0.21%; 3 homozygotes.

Submission:

PreventionGenetics, part of Exact Sciences
Classification: Likely benign for KLB-related condition. Last evaluated: 2019-05-28. Review status: no assertion criteria provided. Collection method: clinical testing. Allele origin: germline.
Comment: This variant is classified as likely benign based on ACMG/AMP sequence variant interpretation guidelines (Richards et al. 2015 PMID: 25741868, with internal and published modifications).

NM_175737.4(KLB):c.738T>C (p.Ala246=)

Gene: KLB (klotho beta; plus strand). Cytogenetic location: 4p14.
Variant type: single nucleotide variant.
Coding change: c.738T>C on transcript NM_175737.4 (MANE Select); coding-DNA position 738, T replaced by C.
Protein change: p.Ala246=; no amino-acid change (alanine 246 retained).
Molecular consequence: synonymous variant.
Genome position (GRCh38, 1-based): chr4:39,407,687, T>C. VCF-style: chr4-39407687-T-C. GRCh37 (hg19) VCF-style: chr4-39409307-T-C.
Identifiers: ClinVar variation 3039077 (VCV003039077.2), dbSNP rs147372707, ClinGen allele CA2893695.